The following is an entry in ClinVar:

ClinVar aggregate classification (germline): Benign. Review status: criteria provided, multiple submitters, no conflicts (2 of 4 stars). 2 submissions from 2 submitters: Benign (2). Last evaluated 2018-01-13.

Conditions:
Medulloblastoma (MDB). Also called: Medulloblastoma, somatic; MEDULLOBLASTOMA PREDISPOSITION SYNDROME. Identifiers: Orphanet 616, MedGen C0025149, MeSH D008527, MONDO:0007959, OMIM 155255, HP:0002885.

Allele frequency attached by ClinVar (database versions not stated): gnomAD 0.14323 and 0.14876; gnomAD exomes 0.15788; TOPMed 0.16324; 1000 Genomes Project 30x 0.24172; 1000 Genomes Project 0.24501.
gnomAD v4.1: 35,199 of 233,244 alleles (15%); highest among the groups gnomAD compares: East Asian, 45%; 3,901 homozygotes.

Submissions (2):

Illumina Laboratory Services, Illumina
Classification: Benign for Medulloblastoma. Last evaluated: 2018-01-13. Review status: criteria provided, single submitter. Criteria: ICSL Variant Classification Criteria 13 December 2019. Collection method: clinical testing. Allele origin: germline.
Comment: This variant was observed in the ICSL laboratory as part of a predisposition screen in an ostensibly healthy population. It had not been previously curated by ICSL or reported in the Human Gene Mutation Database (HGMD: prior to June 1st, 2018), and was therefore a candidate for classification through an automated scoring system. Utilizing variant allele frequency, disease prevalence and penetrance estimates, and inheritance mode, an automated score was calculated to assess if this variant is too frequent to cause the disease. Based on the score and internal cut-off values, a variant classified as benign is not then subjected to further curation. The score for this variant resulted in a classification of benign for this disease.

Breakthrough Genomics
Classification: Benign. Review status: criteria provided, single submitter. Criteria: ACMG Guidelines, 2015. Collection method: not provided. Allele origin: germline. Inheritance: Autosomal recessive inheritance. Affected: yes.

NM_016169.4(SUFU):c.*1633C>T

Gene: SUFU (SUFU negative regulator of hedgehog signaling; plus strand). Cytogenetic location: 10q24.32.
Variant type: single nucleotide variant.
Coding change: c.*1633C>T on transcript NM_016169.4 (MANE Select); 1633 bases downstream of the stop codon, C replaced by T.
Molecular consequence: 3 prime UTR variant.
Genome position (GRCh38, 1-based): chr10:102,631,788, C>T. VCF-style: chr10-102631788-C-T. GRCh37 (hg19) VCF-style: chr10-104391545-C-T.
Identifiers: ClinVar variation 298591 (VCV000298591.6), dbSNP rs17114810, ClinGen allele CA10634794.